The following is an entry in ClinVar:

ClinVar aggregate classification (germline): Uncertain significance (1 of 4 stars; one submission).

Allele frequency attached by ClinVar (database versions not stated): TOPMed below 0.00001; gnomAD exomes 0.00001.
gnomAD v4.1: 3 of 1,613,996 alleles (0.00019%); highest among the groups gnomAD compares: East Asian, 0.0067%; no homozygotes.

Submission:

Labcorp Genetics (formerly Invitae), Labcorp
Classification: Uncertain significance. Last evaluated: 2022-06-20. Review status: criteria provided, single submitter. Criteria: Invitae Variant Classification Sherloc (09022015). Collection method: clinical testing. Allele origin: germline.
Comment: This sequence change replaces histidine, which is basic and polar, with tyrosine, which is neutral and polar, at codon 359 of the ACO2 protein (p.His359Tyr). This variant is present in population databases (no rsID available, gnomAD 0.01%). This variant has not been reported in the literature in individuals affected with ACO2-related conditions. Advanced modeling of protein sequence and biophysical properties (such as structural, functional, and spatial information, amino acid conservation, physicochemical variation, residue mobility, and thermodynamic stability) performed at Invitae indicates that this missense variant is expected to disrupt ACO2 protein function. In summary, the available evidence is currently insufficient to determine the role of this variant in disease. Therefore, it has been classified as a Variant of Uncertain Significance.

NM_001098.3(ACO2):c.1075C>T (p.His359Tyr)

Gene: ACO2 (aconitase 2; plus strand). Cytogenetic location: 22q13.2.
Variant type: single nucleotide variant.
Coding change: c.1075C>T on transcript NM_001098.3 (MANE Select); coding-DNA position 1075, C replaced by T.
Protein change: p.His359Tyr; replaces histidine 359 with tyrosine.
Molecular consequence: missense variant.
Genome position (GRCh38, 1-based): chr22:41,520,213, C>T. VCF-style: chr22-41520213-C-T. GRCh37 (hg19) VCF-style: chr22-41916217-C-T.
Other names: short protein forms H359Y.
Identifiers: ClinVar variation 2001786 (VCV002001786.4), dbSNP rs1372163911, ClinGen allele CA411723929.
Genomic context (GRCh38, chr22:41,520,213, plus strand): 5'-GCATGTTTGTTTCTTCAGCTGAAGCCACACATCAATGGGCCCTTCACCCCTGACCTGGCT[C>T]ACCCTGTGGCAGAAGTGGGCAAGGTGGCAGAGAAGGAAGGATGGCCTCTGGACATCCGAG-3'
Protein context (NP_001089.1, residues 349-369): INGPFTPDLA[His359Tyr]PVAEVGKVAE